The following is an entry in ClinVar:

ClinVar aggregate classification (germline): Likely benign. Review status: criteria provided, multiple submitters, no conflicts (2 of 4 stars). 3 submissions from 3 submitters: Likely benign (3). Last evaluated 2025-06-28.

Conditions:
Lynch syndrome. Identifiers: Orphanet 144, MedGen C4552100, MONDO:0005835. Disease mechanism: loss of function.
Hereditary cancer-predisposing syndrome. Also called: Hereditary neoplastic syndrome; Neoplastic Syndromes, Hereditary; Tumor predisposition; Hereditary Cancer Syndrome. Identifiers: Orphanet 140162, MedGen C0027672, MeSH D009386, MONDO:0015356.
Hereditary nonpolyposis colorectal neoplasms. Identifiers: MedGen C0009405, MeSH D003123.

Submissions (3):

Ambry Genetics
Classification: Likely benign for Hereditary cancer-predisposing syndrome. Last evaluated: 2025-06-28. Review status: criteria provided, single submitter. Criteria: Ambry Variant Classification Scheme 2023. Collection method: clinical testing. Allele origin: germline.

All of Us Research Program, National Institutes of Health
Classification: Likely benign for Lynch syndrome. Last evaluated: 2024-02-05. Review status: criteria provided, single submitter. Criteria: ACMG Guidelines, 2015. Collection method: clinical testing. Allele origin: germline. Inheritance: Autosomal dominant inheritance. Observed: 1 variant allele, 1 heterozygote.
Comment: This study involves interpretation of variants in research participants for the purpose of population health screening. Participant phenotype was not available at the time of variant classification. Additional details can be found in publication PMID: 35346344, PMCID: PMC8962531

Labcorp Genetics (formerly Invitae), Labcorp
Classification: Likely benign for Hereditary nonpolyposis colorectal neoplasms. Last evaluated: 2020-06-06. Review status: criteria provided, single submitter. Criteria: Invitae Variant Classification Sherloc (09022015). Collection method: clinical testing. Allele origin: germline.

NM_000179.3(MSH6):c.681T>C (p.Ser227=)

Gene: MSH6 (mutS homolog 6; plus strand). Cytogenetic location: 2p16.3.
Variant type: single nucleotide variant.
Coding change: c.681T>C on transcript NM_000179.3 (MANE Select); coding-DNA position 681, T replaced by C.
Protein change: p.Ser227=; no amino-acid change (serine 227 retained).
Molecular consequence: synonymous variant. On other transcripts: 5 prime UTR variant (2).
Genome position (GRCh38, 1-based): chr2:47,798,664, T>C. VCF-style: chr2-47798664-T-C. GRCh37 (hg19) VCF-style: chr2-48025803-T-C.
Other names: c.291T>C, p.Ser97= (NM_001281492.2); c.-226T>C (NM_001281493.2, NM_001281494.2); c.681T>C (NM_000179.2).
Identifiers: ClinVar variation 1126071 (VCV001126071.11), dbSNP rs2104290784, ClinGen allele CA426120608.